The following is an entry in ClinVar:

ClinVar aggregate classification (germline): Uncertain significance. Review status: criteria provided, multiple submitters, no conflicts (2 of 4 stars). 4 submissions from 4 submitters: Uncertain significance (3). 1 of the submissions does not count toward it. Last evaluated 2023-10-03.

Conditions:
Retinitis pigmentosa (RP). Identifiers: Orphanet 791, MedGen C0035334, MeSH D012174, MONDO:0019200, OMIM 268000. Inheritance: Autosomal dominant, autosomal recessive and X linked inheritance.

Allele frequency attached by ClinVar (database versions not stated): gnomAD exomes 0.00001; ExAC 0.00002; gnomAD 0.00006; ESP Exome Variant Server 0.00008; TOPMed 0.00009.
gnomAD v4.1: 18 of 1,613,546 alleles (0.0011%); highest among the groups gnomAD compares: African/African-American, 0.021%; no homozygotes.

Submissions (4):

Labcorp Genetics (formerly Invitae), Labcorp
Classification: Uncertain significance. Last evaluated: 2023-10-03. Review status: criteria provided, single submitter. Criteria: Invitae Variant Classification Sherloc (09022015). Collection method: clinical testing. Allele origin: germline.
Comment: This sequence change replaces isoleucine, which is neutral and non-polar, with serine, which is neutral and polar, at codon 172 of the CNGA1 protein (p.Ile172Ser). This variant is present in population databases (rs373448145, gnomAD 0.02%). This missense change has been observed in individual(s) with clinical features of CNGA1-related conditions (PMID: 31456290; Invitae). This variant is also known as p.Ile241Ser. ClinVar contains an entry for this variant (Variation ID: 812275). Advanced modeling of protein sequence and biophysical properties (such as structural, functional, and spatial information, amino acid conservation, physicochemical variation, residue mobility, and thermodynamic stability) performed at Invitae indicates that this missense variant is not expected to disrupt CNGA1 protein function. In summary, the available evidence is currently insufficient to determine the role of this variant in disease. Therefore, it has been classified as a Variant of Uncertain Significance.

Blueprint Genetics
Classification: Uncertain significance. Last evaluated: 2019-03-30. Review status: criteria provided, single submitter. Criteria: ACMG Guidelines, 2015. Collection method: clinical testing. Allele origin: germline.

Illumina Laboratory Services, Illumina
Classification: Uncertain significance for Retinitis pigmentosa. Last evaluated: 2018-01-12. Review status: criteria provided, single submitter. Criteria: ICSL Variant Classification Criteria 13 December 2019. Collection method: clinical testing. Allele origin: germline.

Sharon lab, Hadassah-Hebrew University Medical Center
Classification: Likely pathogenic for Retinitis pigmentosa. Last evaluated: 2019-06-23. Review status: no assertion criteria provided. Collection method: research. Allele origin: inherited. Affected: yes. Not counted in ClinVar's aggregate classification.

Literature cited by the submitters: PubMed 31456290 (cited by Labcorp Genetics (formerly Invitae), Labcorp).

NM_001379270.1(CNGA1):c.503T>G (p.Ile168Ser)

Genes: CNGA1 (cyclic nucleotide gated channel subunit alpha 1; minus strand), LOC101927157 (uncharacterized LOC101927157; plus strand). Cytogenetic location: 4p12.
Variant type: single nucleotide variant.
Coding change: c.503T>G on transcript NM_001379270.1 (MANE Select); coding-DNA position 503, T replaced by G.
Protein change: p.Ile168Ser; replaces isoleucine 168 with serine.
Molecular consequence: missense variant.
Genome position (GRCh38, 1-based): chr4:47,942,083, A>C on the plus strand (T>G on the coding strand, the complement: CNGA1 is on the minus strand). VCF-style: chr4-47942083-A-C. GRCh37 (hg19) VCF-style: chr4-47944100-A-C.
Other names: c.503T>G, p.Ile168Ser (NM_000087.5, NM_001142564.2); short protein forms I241S, I168S.
Identifiers: ClinVar variation 812275 (VCV000812275.11), dbSNP rs373448145, ClinGen allele CA2911266.